The following is an entry in ClinVar:

NM_000903.3(NQO1):c.146C>T (p.Pro49Leu)

Gene: NQO1 (NAD(P)H quinone dehydrogenase 1; minus strand). Cytogenetic location: 16q22.1.
Variant type: single nucleotide variant.
Coding change: c.146C>T on transcript NM_000903.3 (MANE Select); coding-DNA position 146, C replaced by T.
Protein change: p.Pro49Leu; replaces proline 49 with leucine.
Molecular consequence: missense variant.
Genome position (GRCh38, 1-based): chr16:69,718,396, G>A on the plus strand (C>T on the coding strand, the complement: NQO1 is on the minus strand). VCF-style: chr16-69718396-G-A. GRCh37 (hg19) VCF-style: chr16-69752299-G-A.
Other names: c.146C>T, p.Pro49Leu (NM_001025433.2, NM_001025434.2, NM_001286137.2); short protein forms P49L.
Identifiers: ClinVar variation 3232303 (VCV003232303.1), dbSNP rs2544333110, ClinGen allele CA396491365.
Genomic context (GRCh38, chr16:69,718,396, plus strand): 5'-ACTAATTAAAGAGGGGAGGAGGAACTCCTCCTACCTGTGATGTCCTTTCTGGAAATGATG[G>A]GATTGAAGTTCATGGCATAGAGGTCCGACTCCACCACCTCCCATCCTTTCTTCTTCAAAG-3'
Protein context (NP_000894.1, residues 39-59): ESDLYAMNFN[Pro49Leu]IISRKDITGK

ClinVar aggregate classification (germline): Uncertain significance (1 of 4 stars; one submission).

Submission:

Ambry Genetics
Classification: Uncertain significance. Last evaluated: 2023-11-02. Review status: criteria provided, single submitter. Criteria: Ambry Variant Classification Scheme 2023. Collection method: clinical testing. Allele origin: germline.
Comment: The p.P49L variant (also known as c.146C>T), located in coding exon 2 of the NQO1 gene, results from a C to T substitution at nucleotide position 146. The proline at codon 49 is replaced by leucine, an amino acid with similar properties. This amino acid position is conserved. In addition, this alteration is predicted to be tolerated by in silico analysis. Since supporting evidence is limited at this time, the clinical significance of this alteration remains unclear.